The following is an entry in ClinVar:

NM_004863.4(SPTLC2):c.1067G>C (p.Gly356Ala)

Gene: SPTLC2 (serine palmitoyltransferase long chain base subunit 2; minus strand). Cytogenetic location: 14q24.3.
Variant type: single nucleotide variant.
Coding change: c.1067G>C on transcript NM_004863.4 (MANE Select); coding-DNA position 1067, G replaced by C.
Protein change: p.Gly356Ala; replaces glycine 356 with alanine.
Molecular consequence: missense variant.
Genome position (GRCh38, 1-based): chr14:77,555,409, C>G on the plus strand (G>C on the coding strand, the complement: SPTLC2 is on the minus strand). VCF-style: chr14-77555409-C-G. GRCh37 (hg19) VCF-style: chr14-78021752-C-G.
Other names: short protein forms G356A.
Identifiers: ClinVar variation 2880769 (VCV002880769.3), dbSNP rs1314409456, ClinGen allele CA390708747.

ClinVar aggregate classification (germline): Uncertain significance (1 of 4 stars; one submission).

Conditions:
Neuropathy, hereditary sensory and autonomic, type 1C. Also called: HSAN IC; HSN IC. Identifiers: Orphanet 36386, MedGen C3150896, MONDO:0013337, OMIM 613640.

Allele frequency attached by ClinVar (database versions not stated): gnomAD exomes below 0.00001.
gnomAD v4.1: 2 of 1,614,180 alleles (0.00012%); highest among the groups gnomAD compares: East Asian, 0.0045%; no homozygotes.

Submission:

Labcorp Genetics (formerly Invitae), Labcorp
Classification: Uncertain significance for Neuropathy, hereditary sensory and autonomic, type 1C. Last evaluated: 2023-04-06. Review status: criteria provided, single submitter. Criteria: Invitae Variant Classification Sherloc (09022015). Collection method: clinical testing. Allele origin: germline.
Comment: This sequence change replaces glycine, which is neutral and non-polar, with alanine, which is neutral and non-polar, at codon 356 of the SPTLC2 protein (p.Gly356Ala). This variant is present in population databases (no rsID available, gnomAD 0.01%). This variant has not been reported in the literature in individuals affected with SPTLC2-related conditions. Advanced modeling of protein sequence and biophysical properties (such as structural, functional, and spatial information, amino acid conservation, physicochemical variation, residue mobility, and thermodynamic stability) performed at Invitae indicates that this missense variant is not expected to disrupt SPTLC2 protein function. In summary, the available evidence is currently insufficient to determine the role of this variant in disease. Therefore, it has been classified as a Variant of Uncertain Significance.